The following is an entry in ClinVar:

NM_004991.4(MECOM):c.2600C>T (p.Thr867Ile)

Gene: MECOM (MDS1 and EVI1 complex locus; minus strand). Cytogenetic location: 3q26.2.
Variant type: single nucleotide variant.
Coding change: c.2600C>T on transcript NM_004991.4 (MANE Select); coding-DNA position 2600, C replaced by T.
Protein change: p.Thr867Ile; replaces threonine 867 with isoleucine.
Molecular consequence: missense variant. On other transcripts: intron variant (8).
Genome position (GRCh38, 1-based): chr3:169,107,930, G>A on the plus strand (C>T on the coding strand, the complement: MECOM is on the minus strand). VCF-style: chr3-169107930-G-A. GRCh37 (hg19) VCF-style: chr3-168825718-G-A.
Other names: c.2231C>T, p.Thr744Ile (NM_001105077.4); c.2036C>T, p.Thr679Ile (NM_001105078.4, NM_001205194.2, NM_001366469.2 and 1 more transcripts); c.2039C>T, p.Thr680Ile (NM_001366467.2, NM_001366468.2); c.1605+4857C>T (NM_001366473.2); c.2577+4857C>T (NM_001366466.2); c.1041+4857C>T (NM_001366474.2); c.2013+4857C>T (NM_001164000.2, NM_001366471.2, NM_001366472.2); c.2016+4857C>T (NM_001366470.2, NM_001163999.2); short protein forms T680I, T679I, T867I, T744I.
Identifiers: ClinVar variation 3871655 (VCV003871655.1).

ClinVar aggregate classification (germline): Uncertain significance (1 of 4 stars; one submission).

Conditions:
Inborn genetic diseases. Identifiers: MedGen C0950123, MeSH D030342.

Submission:

Ambry Genetics
Classification: Uncertain significance for Inborn genetic diseases. Last evaluated: 2025-01-03. Review status: criteria provided, single submitter. Criteria: Ambry Variant Classification Scheme 2023. Collection method: clinical testing. Allele origin: germline.
Comment: The p.T867I variant (also known as c.2600C>T), located in coding exon 10 of the MECOM gene, results from a C to T substitution at nucleotide position 2600. The threonine at codon 867 is replaced by isoleucine, an amino acid with similar properties. This amino acid position is conserved. In addition, this alteration is predicted to be tolerated by in silico analysis. Based on the available evidence, the clinical significance of this variant remains unclear.